The following is an entry in ClinVar:

ClinVar aggregate classification (germline): Uncertain significance (1 of 4 stars; one submission).

Conditions:
Alpha-methylacyl-CoA racemase deficiency (AMACRD). Also called: AMACR deficiency. Identifiers: Orphanet 79095, MedGen C3280428, MONDO:0013681, OMIM 614307. Disease mechanism: loss of function.

Submission:

Labcorp Genetics (formerly Invitae), Labcorp
Classification: Uncertain significance for Alpha-methylacyl-CoA racemase deficiency. Last evaluated: 2021-03-30. Review status: criteria provided, single submitter. Criteria: Invitae Variant Classification Sherloc (09022015). Collection method: clinical testing. Allele origin: germline.
Comment: This variant is not present in population databases (ExAC no frequency). In summary, the available evidence is currently insufficient to determine the role of this variant in disease. Therefore, it has been classified as a Variant of Uncertain Significance. Algorithms developed to predict the effect of missense changes on protein structure and function output the following: SIFT: "Tolerated"; PolyPhen-2: "Benign"; Align-GVGD: "Class C0". The arginine amino acid residue is found in multiple mammalian species, suggesting that this missense change does not adversely affect protein function. These predictions have not been confirmed by published functional studies and their clinical significance is uncertain. This variant has not been reported in the literature in individuals with AMACR-related conditions. This sequence change replaces lysine with arginine at codon 246 of the AMACR protein (p.Lys246Arg). The lysine residue is highly conserved and there is a small physicochemical difference between lysine and arginine.

NM_014324.6(AMACR):c.737A>G (p.Lys246Arg)

Genes: AMACR (alpha-methylacyl-CoA racemase; minus strand), C1QTNF3-AMACR (C1QTNF3-AMACR readthrough (NMD candidate); minus strand). Cytogenetic location: 5p13.2.
Variant type: single nucleotide variant.
Coding change: c.737A>G on transcript NM_014324.6 (MANE Select); coding-DNA position 737, A replaced by G.
Protein change: p.Lys246Arg; replaces lysine 246 with arginine.
Molecular consequence: missense variant. On other transcripts: non-coding transcript variant (1), synonymous variant (1).
Genome position (GRCh38, 1-based): chr5:33,998,643, T>C on the plus strand (A>G on the coding strand, the complement: AMACR is on the minus strand). VCF-style: chr5-33998643-T-C. GRCh37 (hg19) VCF-style: chr5-33998748-T-C.
Other names: c.737A>G, p.Lys246Arg (NM_001167595.2); c.576A>G, p.Gln192= (NM_203382.3); short protein forms K246R.
Identifiers: ClinVar variation 1502899 (VCV001502899.8), dbSNP rs2112054224, ClinGen allele CA359381073.